The following is an entry in ClinVar:

ClinVar aggregate classification (germline): Uncertain significance. Review status: criteria provided, multiple submitters, no conflicts (2 of 4 stars). 2 submissions from 2 submitters: Uncertain significance (2). Last evaluated 2025-07-15.

Conditions:
Inborn genetic diseases. Identifiers: MedGen C0950123, MeSH D030342.
LAMA2-related muscular dystrophy (LAMA2-RD). Also called: Laminin alpha 2-related dystrophy. Identifiers: MedGen C5679788, MONDO:0100228.

Allele frequency attached by ClinVar (database versions not stated): ExAC 0.00001; TOPMed 0.00002.
gnomAD v4.1: 2 of 1,614,000 alleles (0.00012%); highest among the groups gnomAD compares: African/African-American, 0.0013%; no homozygotes.

Submissions (2):

Ambry Genetics
Classification: Uncertain significance for Inborn genetic diseases. Last evaluated: 2025-07-15. Review status: criteria provided, single submitter. Criteria: Ambry Variant Classification Scheme 2023. Collection method: clinical testing. Allele origin: germline.

Labcorp Genetics (formerly Invitae), Labcorp
Classification: Uncertain significance for LAMA2-related muscular dystrophy. Last evaluated: 2022-05-25. Review status: criteria provided, single submitter. Criteria: Invitae Variant Classification Sherloc (09022015). Collection method: clinical testing. Allele origin: germline.
Comment: This sequence change replaces histidine, which is basic and polar, with asparagine, which is neutral and polar, at codon 207 of the LAMA2 protein (p.His207Asn). This variant is present in population databases (rs775513594, gnomAD 0.0009%). This variant has not been reported in the literature in individuals affected with LAMA2-related conditions. Advanced modeling of protein sequence and biophysical properties (such as structural, functional, and spatial information, amino acid conservation, physicochemical variation, residue mobility, and thermodynamic stability) performed at Invitae indicates that this missense variant is not expected to disrupt LAMA2 protein function. In summary, the available evidence is currently insufficient to determine the role of this variant in disease. Therefore, it has been classified as a Variant of Uncertain Significance.

NM_000426.4(LAMA2):c.619C>A (p.His207Asn)

Gene: LAMA2 (laminin subunit alpha 2; plus strand). Cytogenetic location: 6q22.33.
Variant type: single nucleotide variant.
Coding change: c.619C>A on transcript NM_000426.4 (MANE Select); coding-DNA position 619, C replaced by A.
Protein change: p.His207Asn; replaces histidine 207 with asparagine.
Molecular consequence: missense variant.
Genome position (GRCh38, 1-based): chr6:129,098,395, C>A. VCF-style: chr6-129098395-C-A. GRCh37 (hg19) VCF-style: chr6-129419540-C-A.
Other names: c.619C>A, p.His207Asn (NM_001079823.2); short protein forms H207N.
Identifiers: ClinVar variation 1998940 (VCV001998940.5), dbSNP rs775513594, ClinGen allele CA3992374.